The following is an entry in ClinVar:

ClinVar aggregate classification (germline): Uncertain significance. Review status: criteria provided, multiple submitters, no conflicts (2 of 4 stars). 2 submissions from 2 submitters: Uncertain significance (2). Last evaluated 2024-06-29.

Conditions:
RASopathy. Also called: rasopathies; Noonan spectrum disorder. Identifiers: Orphanet 536391, MedGen C5555857, MONDO:0021060.

Allele frequency attached by ClinVar (database versions not stated): TOPMed 0.00001; gnomAD 0.00002; gnomAD exomes 0.00002.
gnomAD v4.1: 12 of 1,472,850 alleles (0.00081%); highest among the groups gnomAD compares: African/African-American, 0.0042%; no homozygotes.

Submissions (2):

Labcorp Genetics (formerly Invitae), Labcorp
Classification: Uncertain significance for RASopathy. Last evaluated: 2024-06-29. Review status: criteria provided, single submitter. Criteria: Invitae Variant Classification Sherloc (09022015). Collection method: clinical testing. Allele origin: germline.
Comment: This sequence change replaces glycine, which is neutral and non-polar, with arginine, which is basic and polar, at codon 21 of the BRAF protein (p.Gly21Arg). This variant is present in population databases (no rsID available, gnomAD 0.004%). This variant has not been reported in the literature in individuals affected with BRAF-related conditions. ClinVar contains an entry for this variant (Variation ID: 945335). Advanced modeling of protein sequence and biophysical properties (such as structural, functional, and spatial information, amino acid conservation, physicochemical variation, residue mobility, and thermodynamic stability) performed at Invitae indicates that this missense variant is expected to disrupt BRAF protein function with a positive predictive value of 95%. In summary, the available evidence is currently insufficient to determine the role of this variant in disease. Therefore, it has been classified as a Variant of Uncertain Significance.

CeGaT Center for Human Genetics Tuebingen
Classification: Uncertain significance. Last evaluated: 2022-08-01. Review status: criteria provided, single submitter. Criteria: CeGaT Center For Human Genetics Tuebingen Variant Classification Criteria Version 2. Collection method: clinical testing. Allele origin: germline. Affected: yes. Observed: 1 variant allele.
Comment: BRAF: PP2

NM_004333.6(BRAF):c.61G>C (p.Gly21Arg)

Gene: BRAF (B-Raf proto-oncogene, serine/threonine kinase; minus strand). Cytogenetic location: 7q34.
Variant type: single nucleotide variant.
Coding change: c.61G>C on transcript NM_004333.6 (MANE Select); coding-DNA position 61, G replaced by C.
Protein change: p.Gly21Arg; replaces glycine 21 with arginine.
Molecular consequence: missense variant.
Genome position (GRCh38, 1-based): chr7:140,924,643, C>G on the plus strand (G>C on the coding strand, the complement: BRAF is on the minus strand). VCF-style: chr7-140924643-C-G. GRCh37 (hg19) VCF-style: chr7-140624443-C-G.
Other names: c.61G>C, p.Gly21Arg (NM_001354609.2, NM_001374244.1, NM_001374258.1 and 7 more transcripts); short protein forms G21R.
Identifiers: ClinVar variation 945335 (VCV000945335.33), dbSNP rs587778113, ClinGen allele CA369590175.